The following is an entry in ClinVar:

ClinVar aggregate classification (germline): Uncertain significance (1 of 4 stars; one submission).

gnomAD v4.1: 1 of 1,609,246 alleles (0.000062%); highest among the groups gnomAD compares: Non-Finnish European, 0.000085%; no homozygotes.

Submission:

GeneDx
Classification: Uncertain significance. Last evaluated: 2023-06-13. Review status: criteria provided, single submitter. Criteria: GeneDx Variant Classification Process June 2021. Collection method: clinical testing. Allele origin: germline. Affected: yes.
Comment: Not observed at significant frequency in large population cohorts (gnomAD); In silico analysis supports that this missense variant has a deleterious effect on protein structure/function; Has not been previously published as pathogenic or benign to our knowledge

NM_001003694.2(BRPF1):c.1783C>T (p.Arg595Trp)

Gene: BRPF1 (bromodomain and PHD finger containing 1; plus strand). Cytogenetic location: 3p25.3.
Variant type: single nucleotide variant.
Coding change: c.1783C>T on transcript NM_001003694.2 (MANE Select); coding-DNA position 1783, C replaced by T.
Protein change: p.Arg595Trp; replaces arginine 595 with tryptophan.
Molecular consequence: missense variant. On other transcripts: non-coding transcript variant (1).
Genome position (GRCh38, 1-based): chr3:9,741,368, C>T. VCF-style: chr3-9741368-C-T. GRCh37 (hg19) VCF-style: chr3-9783052-C-T.
Other names: c.1783C>T, p.Arg595Trp (NM_001319049.2, NM_001319050.2, NM_001410704.1 and 1 more transcripts); short protein forms R595W.
Identifiers: ClinVar variation 3359838 (VCV003359838.1).